The following is an entry in ClinVar:

ClinVar aggregate classification (germline): Likely benign. Review status: criteria provided, single submitter (1 of 4 stars). 2 submissions from 2 submitters: Likely benign (1). 1 of the submissions does not count toward it. Last evaluated 2022-04-01.

Conditions:
FAM47A-related disorder. Also called: FAM47A-related condition.

Allele frequency attached by ClinVar (database versions not stated): gnomAD exomes 0.00008; gnomAD 0.00068; TOPMed 0.00083; ESP Exome Variant Server 0.00095; 1000 Genomes Project 30x 0.00021; ExAC 0.00023; 1000 Genomes Project 0.00026.

Submissions (2):

CeGaT Center for Human Genetics Tuebingen
Classification: Likely benign. Last evaluated: 2022-04-01. Review status: criteria provided, single submitter. Criteria: CeGaT Center For Human Genetics Tuebingen Variant Classification Criteria Version 2. Collection method: clinical testing. Allele origin: germline. Affected: yes. Observed: 1 variant allele.
Comment: FAM47A: BP4, BP7

PreventionGenetics, part of Exact Sciences
Classification: Likely benign for FAM47A-related condition. Last evaluated: 2019-02-20. Review status: no assertion criteria provided. Collection method: clinical testing. Allele origin: germline. Not counted in ClinVar's aggregate classification.
Comment: This variant is classified as likely benign based on ACMG/AMP sequence variant interpretation guidelines (Richards et al. 2015 PMID: 25741868, with internal and published modifications).

NM_203408.4(FAM47A):c.1680T>C (p.Pro560=)

Gene: FAM47A (family with sequence similarity 47 member A; minus strand). Cytogenetic location: Xp21.1.
Variant type: single nucleotide variant.
Coding change: c.1680T>C on transcript NM_203408.4 (MANE Select); coding-DNA position 1680, T replaced by C.
Protein change: p.Pro560=; no amino-acid change (proline 560 retained).
Molecular consequence: synonymous variant.
Genome position (GRCh38, 1-based): chrX:34,130,599, A>G on the plus strand (T>C on the coding strand, the complement: FAM47A is on the minus strand). VCF-style: chrX-34130599-A-G. GRCh37 (hg19) VCF-style: chrX-34148716-A-G.
Other names: c.1680T>C (NM_203408.3).
Identifiers: ClinVar variation 2660253 (VCV002660253.25), dbSNP rs199939747, ClinGen allele CA10380398.